The following is an entry in ClinVar:

ClinVar aggregate classification (germline): Pathogenic. Review status: criteria provided, multiple submitters, no conflicts (2 of 4 stars). 2 submissions from 2 submitters: Pathogenic (2). Last evaluated 2024-02-29.

Conditions:
COL11A2-related disorder. Also called: COL11A2-related condition; COL11A2-related disorders.

Allele frequency attached by ClinVar (database versions not stated): gnomAD exomes below 0.00001.

Submissions (2):

Labcorp Genetics (formerly Invitae), Labcorp
Classification: Pathogenic. Last evaluated: 2024-02-29. Review status: criteria provided, single submitter. Criteria: Invitae Variant Classification Sherloc (09022015). Collection method: clinical testing. Allele origin: germline.
Comment: This sequence change creates a premature translational stop signal (p.Gly922Valfs*62) in the COL11A2 gene. It is expected to result in an absent or disrupted protein product. Loss-of-function variants in COL11A2 are known to be pathogenic (PMID: 10677296, 21204229). This variant is not present in population databases (gnomAD no frequency). This premature translational stop signal has been observed in individual(s) with otospondylomegaepiphyseal dysplasia (PMID: 21204229). For these reasons, this variant has been classified as Pathogenic.

Blueprint Genetics
Classification: Pathogenic for COL11A2-related disorders. Last evaluated: 2022-03-14. Review status: criteria provided, single submitter. Criteria: ACMG Guidelines, 2015. Collection method: clinical testing. Allele origin: germline. Affected: yes. Observed: 1 variant allele.

Literature cited by the submitters: PubMed 10677296 (cited by Labcorp Genetics (formerly Invitae), Labcorp); PubMed 21204229 (cited by Labcorp Genetics (formerly Invitae), Labcorp).

NM_080680.3(COL11A2):c.2763del (p.Gly922fs)

Gene: COL11A2 (collagen type XI alpha 2 chain; minus strand). Cytogenetic location: 6p21.32.
Variant type: Deletion.
Coding change: c.2763del on transcript NM_080680.3 (MANE Select); coding-DNA position 2763, one base deleted (T; older notation c.2763delT).
Protein change: p.Gly922fs; shifts the reading frame from glycine 922.
Molecular consequence: frameshift variant.
Genome position (GRCh38, 1-based): chr6:33,173,087, A deleted on the plus strand (T on the coding strand, the reverse complement: COL11A2 is on the minus strand). VCF-style (leftmost placement, unchanged base first): chr6-33173086-CA-C. GRCh37 (hg19) VCF-style: chr6-33140863-CA-C.
Other names: c.2583del, p.Gly862fs (NM_001424108.1); c.1917del, p.Gly640fs (NM_001424109.1); c.1737del, p.Gly580fs (NM_001424110.1, NM_001424111.1); c.717del, p.Gly240fs (NM_001424112.1); c.2442del, p.Gly815fs (NM_080679.3); c.2505del, p.Gly836fs (NM_080681.3); short protein forms G580fs, G815fs, G862fs, G922fs, G640fs, G240fs, G836fs.
Identifiers: ClinVar variation 2734846 (VCV002734846.4), dbSNP rs2534916491, ClinGen allele CA658655574.
Genomic context (GRCh38, chr6:33,173,086, plus strand): 5'-TCAGGGGTCCATTCTCTCCTAGGGACAAACCTACCTGAGGTCCCACCACTCCTGGAGGAC[CA>C]GGGGGGCCGGTCTTCCCTTGGAAACCCTAGGCGAGGAAGAGAGGAGAATGCAGTGAAAGC-3'